The following is an entry in ClinVar:

NM_000400.4(ERCC2):c.362dup (p.Thr122fs)

Gene: ERCC2 (ERCC excision repair 2, TFIIH core complex helicase subunit; minus strand). Cytogenetic location: 19q13.32.
Variant type: Duplication.
Coding change: c.362dup on transcript NM_000400.4 (MANE Select); coding-DNA position 362, one base duplicated (T; older notation c.362dupT).
Protein change: p.Thr122fs; shifts the reading frame from threonine 122.
Molecular consequence: frameshift variant.
Genome position (GRCh38, 1-based): chr19:45,365,157, A duplicated on the plus strand (T on the coding strand, the reverse complement: ERCC2 is on the minus strand). VCF-style (leftmost placement, unchanged base first): chr19-45365156-C-CA. GRCh37 (hg19) VCF-style: chr19-45868414-C-CA.
Other names: c.290dup, p.Thr98fs (NM_001130867.2); short protein forms T122fs, T98fs.
Identifiers: ClinVar variation 2907863 (VCV002907863.5), dbSNP rs1235040517, ClinGen allele CA882711707.

ClinVar aggregate classification (germline): Pathogenic/Likely pathogenic. Review status: criteria provided, multiple submitters, no conflicts (2 of 4 stars). 3 submissions from 3 submitters: Pathogenic (2); Likely pathogenic (1). Last evaluated 2026-05-13.

Conditions:
ERCC2-related disorder. Also called: ERCC2-related disorders; ERCC2-related conditions; ERCC2-related condition. Identifiers: MedGen CN239291.

Allele frequency attached by ClinVar (database versions not stated): TOPMed 0.00001; gnomAD exomes 0.00001; gnomAD 0.00001.

Submissions (3):

Myriad Genetics, Inc.
Classification: Pathogenic for ERCC2-related disorder. Last evaluated: 2026-05-13. Review status: criteria provided, single submitter. Criteria: Myriad Autosomal Dominant, Autosomal Recessive and X-Linked Classification Criteria (2023). Collection method: clinical testing. Allele origin: unknown.
Comment: NM_000400.3(ERCC2):c.362dupT(T122Dfs*28) is expected to be pathogenic in the context of ERCC2-related disorders. This variant is predicted to lead to an abnormal or absent protein product due to the creation of a premature termination codon in ERCC2, a gene where loss-of-function variants are known to be pathogenic. Please note: this variant was assessed in the context of healthy population screening.

Blueprint Genetics
Classification: Likely pathogenic for ERCC2-related disorders. Last evaluated: 2023-09-28. Review status: criteria provided, single submitter. Criteria: ACMG Guidelines, 2015. Collection method: clinical testing. Allele origin: germline. Affected: yes. Observed: 5 variant alleles.

Labcorp Genetics (formerly Invitae), Labcorp
Classification: Pathogenic. Last evaluated: 2023-02-15. Review status: criteria provided, single submitter. Criteria: Invitae Variant Classification Sherloc (09022015). Collection method: clinical testing. Allele origin: germline.
Comment: This sequence change creates a premature translational stop signal (p.Thr122Aspfs*28) in the ERCC2 gene. It is expected to result in an absent or disrupted protein product. Loss-of-function variants in ERCC2 are known to be pathogenic (PMID: 9238033, 11335038, 19085937, 19934020). This variant is not present in population databases (gnomAD no frequency). This variant has not been reported in the literature in individuals affected with ERCC2-related conditions. For these reasons, this variant has been classified as Pathogenic.

Literature cited by the submitters: PubMed 9238033 (cited by Labcorp Genetics (formerly Invitae), Labcorp); PubMed 11335038 (cited by Labcorp Genetics (formerly Invitae), Labcorp); PubMed 19085937 (cited by Labcorp Genetics (formerly Invitae), Labcorp); PubMed 19934020 (cited by Labcorp Genetics (formerly Invitae), Labcorp).